The following is an entry in ClinVar:

NM_000170.3(GLDC):c.383A>G (p.Gln128Arg)

Gene: GLDC (glycine decarboxylase; minus strand). Cytogenetic location: 9p24.1.
Variant type: single nucleotide variant.
Coding change: c.383A>G on transcript NM_000170.3 (MANE Select); coding-DNA position 383, A replaced by G.
Protein change: p.Gln128Arg; replaces glutamine 128 with arginine.
Molecular consequence: missense variant.
Genome position (GRCh38, 1-based): chr9:6,620,271, T>C on the plus strand (A>G on the coding strand, the complement: GLDC is on the minus strand). VCF-style: chr9-6620271-T-C. GRCh37 (hg19) VCF-style: chr9-6620271-T-C.
Other names: short protein forms Q128R.
Identifiers: ClinVar variation 1484656 (VCV001484656.4), dbSNP rs1819061825, ClinGen allele CA372879643.

ClinVar aggregate classification (germline): Uncertain significance. Review status: criteria provided, multiple submitters, no conflicts (2 of 4 stars). 2 submissions from 2 submitters: Uncertain significance (2). Last evaluated 2023-07-28.

Conditions:
Glycine encephalopathy. Also called: Nonketotic hyperglycinemia; Non-ketotic hyperglycinemia. Identifiers: Orphanet 407, MedGen C0751748, MONDO:0011612, HP:0008288.

Allele frequency attached by ClinVar (database versions not stated): TOPMed below 0.00001.
gnomAD v4.1: 1 of 1,613,624 alleles (0.000062%); highest among the groups gnomAD compares: Middle Eastern, 0.017%; no homozygotes.

Submissions (2):

Blueprint Genetics
Classification: Uncertain significance. Last evaluated: 2023-07-28. Review status: criteria provided, single submitter. Criteria: ACMG Guidelines, 2015. Collection method: clinical testing. Allele origin: germline.

Labcorp Genetics (formerly Invitae), Labcorp
Classification: Uncertain significance for Glycine encephalopathy. Last evaluated: 2022-03-22. Review status: criteria provided, single submitter. Criteria: Invitae Variant Classification Sherloc (09022015). Collection method: clinical testing. Allele origin: germline.
Comment: This sequence change replaces glutamine, which is neutral and polar, with arginine, which is basic and polar, at codon 128 of the GLDC protein (p.Gln128Arg). This variant is not present in population databases (gnomAD no frequency). This variant has not been reported in the literature in individuals affected with GLDC-related conditions. Advanced modeling of protein sequence and biophysical properties (such as structural, functional, and spatial information, amino acid conservation, physicochemical variation, residue mobility, and thermodynamic stability) performed at Invitae indicates that this missense variant is not expected to disrupt GLDC protein function. In summary, the available evidence is currently insufficient to determine the role of this variant in disease. Therefore, it has been classified as a Variant of Uncertain Significance.